The following is an entry in ClinVar:

ClinVar aggregate classification (germline): Conflicting classifications of pathogenicity. Review status: criteria provided, conflicting classifications (1 of 4 stars). 3 submissions from 3 submitters: Uncertain significance (1); Likely benign (2). Last evaluated 2026-06-09.

Conditions:
ATRX-related disorder. Also called: ATRX-related condition.
Alpha thalassemia-X-linked intellectual disability syndrome (ATRX). Also called: ALPHA-THALASSEMIA/MENTAL RETARDATION SYNDROME, X-LINKED; ATR, NONDELETION TYPE; ATR-X syndrome; Alpha thalassemia mental retardation syndrome, nondeletion type, X-linked; XLMR hypotonic face syndrome; X-linked alpha-thalassemia-mental retardation syndrome. Identifiers: Orphanet 847, MedGen C1845055, MONDO:0010519, OMIM 301040.

Allele frequency attached by ClinVar (database versions not stated): gnomAD exomes below 0.00001 and 0.00001; ExAC 0.00001; TOPMed 0.00005; gnomAD 0.00003; ESP Exome Variant Server 0.00009.
gnomAD v4.1: 5 of 1,208,702 alleles (0.00041%); highest among the groups gnomAD compares: African/African-American, 0.0088%; no homozygotes.

Submissions (3):

PreventionGenetics, part of Exact Sciences
Classification: Likely benign for ATRX-related condition. Last evaluated: 2026-06-09. Review status: criteria provided, single submitter. Criteria: ACMG Guidelines, 2015. Collection method: clinical testing. Allele origin: germline.
Comment: This variant is classified as likely benign based on ACMG/AMP sequence variant interpretation guidelines (Richards et al. 2015 PMID: 25741868, with internal and published modifications).

Labcorp Genetics (formerly Invitae), Labcorp
Classification: Likely benign for Alpha thalassemia-X-linked intellectual disability syndrome. Last evaluated: 2024-10-15. Review status: criteria provided, single submitter. Criteria: Invitae Variant Classification Sherloc (09022015). Collection method: clinical testing. Allele origin: germline.

GeneDx
Classification: Uncertain significance. Last evaluated: 2023-06-23. Review status: criteria provided, single submitter. Criteria: GeneDx Variant Classification Process June 2021. Collection method: clinical testing. Allele origin: germline. Affected: yes.
Comment: Not observed at significant frequency in large population cohorts (gnomAD); In silico analysis supports that this variant does not alter splicing; Has not been previously published as pathogenic or benign to our knowledge

NM_000489.6(ATRX):c.6630T>C (p.Phe2210=)

Gene: ATRX (ATRX chromatin remodeler; minus strand). Cytogenetic location: Xq21.1.
Variant type: single nucleotide variant.
Coding change: c.6630T>C on transcript NM_000489.6 (MANE Select); coding-DNA position 6630, T replaced by C.
Protein change: p.Phe2210=; no amino-acid change (phenylalanine 2210 retained).
Molecular consequence: synonymous variant.
Genome position (GRCh38, 1-based): chrX:77,557,520, A>G on the plus strand (T>C on the coding strand, the complement: ATRX is on the minus strand). VCF-style: chrX-77557520-A-G. GRCh37 (hg19) VCF-style: chrX-76812991-A-G.
Other names: c.6630T>C (NM_000489.3, NM_000489.4); c.6516T>C, p.Phe2172= (NM_138270.5).
Identifiers: ClinVar variation 1128757 (VCV001128757.11), dbSNP rs147169853, ClinGen allele CA10457480.